The following is an entry in ClinVar:

ClinVar aggregate classification (germline): Uncertain significance. Review status: criteria provided, multiple submitters, no conflicts (2 of 4 stars). 2 submissions from 2 submitters: Uncertain significance (2). Last evaluated 2025-08-20.

Allele frequency attached by ClinVar (database versions not stated): gnomAD 0.00001; ExAC 0.00002; gnomAD exomes 0.00002; TOPMed 0.00002.
gnomAD v4.1: 35 of 1,568,878 alleles (0.0022%); highest among the groups gnomAD compares: Admixed American, 0.0036%; no homozygotes.

Submissions (2):

Labcorp Genetics (formerly Invitae), Labcorp
Classification: Uncertain significance. Last evaluated: 2025-08-20. Review status: criteria provided, single submitter. Criteria: Invitae Variant Classification Sherloc (09022015). Collection method: clinical testing. Allele origin: germline.
Comment: This sequence change replaces arginine, which is basic and polar, with cysteine, which is neutral and slightly polar, at codon 450 of the FSCN2 protein (p.Arg450Cys). This variant is present in population databases (rs749706542, gnomAD 0.003%). This variant has not been reported in the literature in individuals affected with FSCN2-related conditions. ClinVar contains an entry for this variant (Variation ID: 963261). An algorithm developed to predict the effect of missense changes on protein structure and function (PolyPhen-2) suggests that this variant is likely to be disruptive. In summary, the available evidence is currently insufficient to determine the role of this variant in disease. Therefore, it has been classified as a Variant of Uncertain Significance.

Ambry Genetics
Classification: Uncertain significance. Last evaluated: 2023-11-28. Review status: criteria provided, single submitter. Criteria: Ambry Variant Classification Scheme 2023. Collection method: clinical testing. Allele origin: germline.

NM_012418.4(FSCN2):c.1276C>T (p.Arg426Cys)

Gene: FSCN2 (fascin actin-bundling protein 2, retinal; plus strand). Cytogenetic location: 17q25.3.
Variant type: single nucleotide variant.
Coding change: c.1276C>T on transcript NM_012418.4 (MANE Select); coding-DNA position 1276, C replaced by T.
Protein change: p.Arg426Cys; replaces arginine 426 with cysteine.
Molecular consequence: missense variant.
Genome position (GRCh38, 1-based): chr17:81,536,877, C>T. VCF-style: chr17-81536877-C-T. GRCh37 (hg19) VCF-style: chr17-79503903-C-T.
Other names: c.1348C>T, p.Arg450Cys (NM_001077182.3); short protein forms R426C, R450C.
Identifiers: ClinVar variation 963261 (VCV000963261.9), dbSNP rs749706542, ClinGen allele CA8837092.